The following is an entry in ClinVar:

ClinVar aggregate classification (germline): Uncertain significance (1 of 4 stars; one submission).

Submission:

GeneDx
Classification: Uncertain significance. Last evaluated: 2025-01-03. Review status: criteria provided, single submitter. Criteria: GeneDx Variant Classification Process June 2021. Collection method: clinical testing. Allele origin: germline. Affected: yes.
Comment: Not observed at significant frequency in large population cohorts (gnomAD); In silico analysis indicates that this missense variant does not alter protein structure/function; Has not been previously published as pathogenic or benign to our knowledge

NM_004958.4(MTOR):c.6130G>T (p.Val2044Leu)

Gene: MTOR (mechanistic target of rapamycin kinase; minus strand). Cytogenetic location: 1p36.22.
Variant type: single nucleotide variant.
Coding change: c.6130G>T on transcript NM_004958.4 (MANE Select); coding-DNA position 6130, G replaced by T.
Protein change: p.Val2044Leu; replaces valine 2044 with leucine.
Molecular consequence: missense variant.
Genome position (GRCh38, 1-based): chr1:11,127,710, C>A on the plus strand (G>T on the coding strand, the complement: MTOR is on the minus strand). VCF-style: chr1-11127710-C-A. GRCh37 (hg19) VCF-style: chr1-11187767-C-A.
Other names: c.6130G>T, p.Val2044Leu (NM_001386500.1); c.4882G>T, p.Val1628Leu (NM_001386501.1); short protein forms V1628L, V2044L.
Identifiers: ClinVar variation 4055978 (VCV004055978.1).